The following is an entry in ClinVar:

NM_020821.3(VPS13C):c.684+7T>C

Gene: VPS13C (vacuolar protein sorting 13 homolog C; minus strand). Cytogenetic location: 15q22.2.
Variant type: single nucleotide variant.
Coding change: c.684+7T>C on transcript NM_020821.3 (MANE Select); 7 bases into the intron after coding-DNA position 684, T replaced by C.
Molecular consequence: intron variant.
Genome position (GRCh38, 1-based): chr15:62,020,472, A>G on the plus strand (T>C on the coding strand, the complement: VPS13C is on the minus strand). VCF-style: chr15-62020472-A-G. GRCh37 (hg19) VCF-style: chr15-62312671-A-G.
Other names: p.?; c.555+7T>C (NM_017684.5, NM_018080.4); c.684+7T>C (NM_001018088.3).
Identifiers: ClinVar variation 777249 (VCV000777249.12), dbSNP rs114090485, ClinGen allele CA7597428.

ClinVar aggregate classification (germline): Benign. Review status: criteria provided, multiple submitters, no conflicts (2 of 4 stars). 3 submissions from 3 submitters: Benign (3). Last evaluated 2026-01-27.

Allele frequency attached by ClinVar (database versions not stated): ESP Exome Variant Server 0.01738; 1000 Genomes Project 0.01777; TOPMed 0.01928; 1000 Genomes Project 30x 0.01999; gnomAD exomes 0.00398 and 0.00714; ExAC 0.00707; gnomAD 0.01603 and 0.01684.
gnomAD v4.1: 8,547 of 1,607,834 alleles (0.53%); highest among the groups gnomAD compares: African/African-American, 4.5%; 114 homozygotes.

Submissions (3):

Labcorp Genetics (formerly Invitae), Labcorp
Classification: Benign. Last evaluated: 2026-01-27. Review status: criteria provided, single submitter. Criteria: Invitae Variant Classification Sherloc (09022015). Collection method: clinical testing. Allele origin: germline.

Mayo Clinic Laboratories, Mayo Clinic
Classification: Benign. Last evaluated: 2023-02-27. Review status: criteria provided, single submitter. Criteria: ACMG Guidelines, 2015. Collection method: clinical testing. Allele origin: germline. Observed: 12 variant alleles.
Comment: BS1, BS2, BP4, BP7

Breakthrough Genomics
Classification: Benign. Review status: criteria provided, single submitter. Criteria: ACMG Guidelines, 2015. Collection method: not provided. Allele origin: germline. Inheritance: Autosomal recessive inheritance. Affected: yes.